The following is an entry in ClinVar:

NM_000428.3(LTBP2):c.2368+1G>T

Gene: LTBP2 (latent transforming growth factor beta binding protein 2; minus strand). Cytogenetic location: 14q24.3.
Variant type: single nucleotide variant.
Coding change: c.2368+1G>T on transcript NM_000428.3 (MANE Select); the canonical splice donor site of the intron after coding-DNA position 2368, G replaced by T.
Molecular consequence: splice donor variant.
Genome position (GRCh38, 1-based): chr14:74,528,482, C>A on the plus strand (G>T on the coding strand, the complement: LTBP2 is on the minus strand). VCF-style: chr14-74528482-C-A. GRCh37 (hg19) VCF-style: chr14-74995185-C-A.
Identifiers: ClinVar variation 4719181 (VCV004719181.1).
Genomic context (GRCh38, chr14:74,528,482, plus strand): 5'-TGAGGTGCTGGAAACTTAGGGGAAAGGAAAATCCCTCAGGCATCTCCCCCAGCTCAGATA[C>A]CCTTGTCAGGGATGGTCCCGGCCTCAAGCCAGGTGTCCGTGACGACCCGGAGGGGCTGCC-3'

ClinVar aggregate classification (germline): Likely pathogenic (1 of 4 stars; one submission).

gnomAD v4.1: 1 of 1,611,840 alleles (0.000062%); highest among the groups gnomAD compares: Non-Finnish European, 0.000085%; no homozygotes.

Submission:

Labcorp Genetics (formerly Invitae), Labcorp
Classification: Likely pathogenic. Last evaluated: 2025-09-13. Review status: criteria provided, single submitter. Criteria: Invitae Variant Classification Sherloc (09022015). Collection method: clinical testing. Allele origin: germline.
Comment: This sequence change affects a donor splice site in intron 12 of the LTBP2 gene. It is expected to disrupt RNA splicing. Variants that disrupt the donor or acceptor splice site typically lead to a loss of protein function (PMID: 16199547), and loss-of-function variants in LTBP2 are known to be pathogenic (PMID: 19361779, 19656777, 22025892). This variant is not present in population databases (gnomAD no frequency). This variant has not been reported in the literature in individuals affected with LTBP2-related conditions. Algorithms developed to predict the effect of sequence changes on RNA splicing suggest that this variant may disrupt the consensus splice site. In summary, the currently available evidence indicates that the variant is pathogenic, but additional data are needed to prove that conclusively. Therefore, this variant has been classified as Likely Pathogenic.

Literature cited by the submitters: PubMed 16199547; PubMed 19361779; PubMed 19656777; PubMed 22025892.